The following is an entry in ClinVar:

ClinVar aggregate classification (germline): Uncertain significance (1 of 4 stars; one submission).

Allele frequency attached by ClinVar (database versions not stated): gnomAD exomes below 0.00001.
gnomAD v4.1: 1 of 1,614,258 alleles (0.000062%); highest among the groups gnomAD compares: Non-Finnish European, 0.000085%; no homozygotes.

Submission:

CeGaT Center for Human Genetics Tuebingen
Classification: Uncertain significance. Last evaluated: 2022-11-01. Review status: criteria provided, single submitter. Criteria: CeGaT Center For Human Genetics Tuebingen Variant Classification Criteria Version 2. Collection method: clinical testing. Allele origin: germline. Affected: yes. Observed: 1 variant allele.
Comment: ZNF32: PM2

NM_006973.3(ZNF32):c.622A>G (p.Ile208Val)

Genes: ZNF32 (zinc finger protein 32; minus strand), ZNF32-AS1 (ZNF32 antisense RNA 1; plus strand), ZNF32-AS3 (ZNF32 antisense RNA 3; plus strand). Cytogenetic location: 10q11.21.
Variant type: single nucleotide variant.
Coding change: c.622A>G on transcript NM_006973.3 (MANE Select); coding-DNA position 622, A replaced by G.
Protein change: p.Ile208Val; replaces isoleucine 208 with valine.
Molecular consequence: missense variant.
Genome position (GRCh38, 1-based): chr10:43,644,250, T>C on the plus strand (A>G on the coding strand, the complement: ZNF32 is on the minus strand). VCF-style: chr10-43644250-T-C. GRCh37 (hg19) VCF-style: chr10-44139698-T-C.
Other names: c.622A>G, p.Ile208Val (NM_001005368.3); c.634A>G, p.Ile212Val (NM_001324164.2, NM_001324165.2); c.547A>G, p.Ile183Val (NM_001324166.2, NM_001324167.2, NM_001324168.2); short protein forms I183V, I208V, I212V.
Identifiers: ClinVar variation 2640420 (VCV002640420.24), dbSNP rs2539322032, ClinGen allele CA376768592.